The following is an entry in ClinVar:

NM_144687.4(NLRP12):c.466C>T (p.Arg156Trp)

Gene: NLRP12 (NLR family pyrin domain containing 12; minus strand). Cytogenetic location: 19q13.42.
Variant type: single nucleotide variant.
Coding change: c.466C>T on transcript NM_144687.4 (MANE Select); coding-DNA position 466, C replaced by T.
Protein change: p.Arg156Trp; replaces arginine 156 with tryptophan.
Molecular consequence: missense variant.
Genome position (GRCh38, 1-based): chr19:53,811,193, G>A on the plus strand (C>T on the coding strand, the complement: NLRP12 is on the minus strand). VCF-style: chr19-53811193-G-A. GRCh37 (hg19) VCF-style: chr19-54314447-G-A.
Other names: c.466C>T, p.Arg156Trp (NM_001277126.2, NM_001277129.1); short protein forms R156W.
Identifiers: ClinVar variation 646991 (VCV000646991.8), dbSNP rs145803984, ClinGen allele CA9639696.
Genomic context (GRCh38, chr19:53,811,193, plus strand): 5'-GCTGCTGCTGGACCTGCATGGGGTTTGAGTGCTCCTTCACCAGCAGGAGCCGGGTGTACC[G>A]GTGGCTGAGGTTGACACATTCCCCTAGGCGCGCATTGCGGTCTTCCATGAGCCGGAATTT-3'
Protein context (NP_653288.1, residues 146-166): RLGECVNLSH[Arg156Trp]YTRLLLVKEH

ClinVar aggregate classification (germline): Uncertain significance (1 of 4 stars; one submission).

Conditions:
Familial cold autoinflammatory syndrome 2 (FCAS2). Identifiers: Orphanet 247868, MedGen C2673198, MONDO:0012724, OMIM 611762.

Allele frequency attached by ClinVar (database versions not stated): TOPMed 0.00001; 1000 Genomes Project 30x 0.00016; 1000 Genomes Project 0.00020.

Submission:

Labcorp Genetics (formerly Invitae), Labcorp
Classification: Uncertain significance for Familial cold autoinflammatory syndrome 2. Last evaluated: 2025-11-05. Review status: criteria provided, single submitter. Criteria: Invitae Variant Classification Sherloc (09022015). Collection method: clinical testing. Allele origin: germline.
Comment: This sequence change replaces arginine, which is basic and polar, with tryptophan, which is neutral and slightly polar, at codon 156 of the NLRP12 protein (p.Arg156Trp). This variant is present in population databases (rs145803984, gnomAD 0.02%). This variant has not been reported in the literature in individuals affected with NLRP12-related conditions. ClinVar contains an entry for this variant (Variation ID: 646991). An algorithm developed to predict the effect of missense changes on protein structure and function (PolyPhen-2) suggests that this variant is likely to be disruptive. In summary, the available evidence is currently insufficient to determine the role of this variant in disease. Therefore, it has been classified as a Variant of Uncertain Significance.